The following is an entry in ClinVar:

ClinVar aggregate classification (germline): Likely benign. Review status: criteria provided, multiple submitters, no conflicts (2 of 4 stars). 3 submissions from 3 submitters: Likely benign (3). Last evaluated 2023-12-10.

Conditions:
Aortic aneurysm, familial thoracic 4 (AAT4). Also called: AORTIC ANEURYSM/AORTIC DISSECTION AND PATENT DUCTUS ARTERIOSUS. Identifiers: MedGen C1851504, MONDO:0007568, OMIM 132900.
Familial thoracic aortic aneurysm and aortic dissection (TAAD). Also called: Thoracic aortic aneurysms and dissections. Identifiers: Orphanet 91387, MedGen C4707243, MONDO:0019625.

Allele frequency attached by ClinVar (database versions not stated): gnomAD exomes below 0.00001; gnomAD 0.00001.
gnomAD v4.1: 12 of 1,614,086 alleles (0.00074%); highest among the groups gnomAD compares: Non-Finnish European, 0.00093%; no homozygotes.

Submissions (3):

All of Us Research Program, National Institutes of Health
Classification: Likely benign for Familial thoracic aortic aneurysm and aortic dissection. Last evaluated: 2023-12-10. Review status: criteria provided, single submitter. Criteria: ACMG Guidelines, 2015. Collection method: clinical testing. Allele origin: germline. Inheritance: Autosomal dominant inheritance. Observed: 1 variant allele, 1 heterozygote.
Comment: This study involves interpretation of variants in research participants for the purpose of population health screening. Participant phenotype was not available at the time of variant classification. Additional details can be found in publication PMID: 35346344, PMCID: PMC8962531

Labcorp Genetics (formerly Invitae), Labcorp
Classification: Likely benign for Aortic aneurysm, familial thoracic 4. Last evaluated: 2023-11-13. Review status: criteria provided, single submitter. Criteria: Invitae Variant Classification Sherloc (09022015). Collection method: clinical testing. Allele origin: germline.

Color Diagnostics, LLC DBA Color Health
Classification: Likely benign for Familial thoracic aortic aneurysm and aortic dissection. Last evaluated: 2019-01-06. Review status: criteria provided, single submitter. Criteria: ACMG Guidelines, 2015. Collection method: clinical testing. Allele origin: germline.

NM_002474.3(MYH11):c.2545C>A (p.Arg849=)

Gene: MYH11 (myosin heavy chain 11; minus strand). Cytogenetic location: 16p13.11.
Variant type: single nucleotide variant.
Coding change: c.2545C>A on transcript NM_002474.3 (MANE Select); coding-DNA position 2545, C replaced by A.
Protein change: p.Arg849=; no amino-acid change (arginine 849 retained).
Molecular consequence: synonymous variant.
Genome position (GRCh38, 1-based): chr16:15,741,867, G>T on the plus strand (C>A on the coding strand, the complement: MYH11 is on the minus strand). VCF-style: chr16-15741867-G-T. GRCh37 (hg19) VCF-style: chr16-15835724-G-T.
Other names: c.2566C>A, p.Arg856= (NM_001040113.2, NM_001040114.2); c.2545C>A, p.Arg849= (NM_022844.3).
Identifiers: ClinVar variation 699008 (VCV000699008.11), dbSNP rs869025471, ClinGen allele CA493791273.
Genomic context (GRCh38, chr16:15,741,867, plus strand): 5'-GCTGCCGCTCCTTGGTCTTCTGCAGTTCATCCTCCTTGGCCTGCATCTCCTCCTCCTGCC[G>T]TGTCACCTGCAGCAGTGGCTTCACCTGCACACACACGGTTAGCCCATCATTTGTTTTTGT-3'
Protein context (NP_002465.1, residues 839-859): TKVKPLLQVT[Arg849=]QEEEMQAKED